The following is an entry in ClinVar:

ClinVar aggregate classification (germline): Uncertain significance (1 of 4 stars; one submission).

Submission:

Laboratorio de Genetica e Diagnostico Molecular, Hospital Israelita Albert Einstein
Classification: Uncertain significance. Last evaluated: 2022-03-13. Review status: criteria provided, single submitter. Criteria: ACMG Guidelines, 2015. Collection method: clinical testing. Allele origin: germline. Affected: yes.
Comment: ACMG classification criteria: PM2

NM_001273.5(CHD4):c.3034G>A (p.Val1012Met)

Gene: CHD4 (chromodomain helicase DNA binding protein 4; minus strand). Cytogenetic location: 12p13.31.
Variant type: single nucleotide variant.
Coding change: c.3034G>A on transcript NM_001273.5 (MANE Select); coding-DNA position 3034, G replaced by A.
Protein change: p.Val1012Met; replaces valine 1012 with methionine.
Molecular consequence: missense variant.
Genome position (GRCh38, 1-based): chr12:6,591,972, C>T on the plus strand (G>A on the coding strand, the complement: CHD4 is on the minus strand). VCF-style: chr12-6591972-C-T. GRCh37 (hg19) VCF-style: chr12-6701138-C-T.
Other names: c.3013G>A, p.Val1005Met (NM_001297553.2); c.2995G>A, p.Val999Met (NM_001363606.2); short protein forms V1005M, V1012M, V999M.
Identifiers: ClinVar variation 1691061 (VCV001691061.2), dbSNP rs2136213824, ClinGen allele CA383586888.
Genomic context (GRCh38, chr12:6,591,972, plus strand): 5'-ATACCATTGCAGCCACAGGGAAGAGGTATGGATGGTTGCAGCACTTCTTAAGATCCATCA[C>T]CACATTCAGCAGAGACACCTGGTTGCCACCACCTCGGGCATTGAGTGCTTCAAAATTTCG-3'
Protein context (NP_001264.2, residues 1002-1022): GGNQVSLLNV[Val1012Met]MDLKKCCNHP